The following is an entry in ClinVar:

ClinVar aggregate classification (germline): Uncertain significance. Review status: criteria provided, multiple submitters, no conflicts (2 of 4 stars). 3 submissions from 3 submitters: Uncertain significance (3). Last evaluated 2025-11-25.

Conditions:
Inborn genetic diseases. Identifiers: MedGen C0950123, MeSH D030342.

Allele frequency attached by ClinVar (database versions not stated): gnomAD below 0.00001 and 0.00005; TOPMed 0.00002; gnomAD exomes 0.00012 and 0.00018; ExAC 0.00019.
gnomAD v4.1: 185 of 1,613,846 alleles (0.011%); highest among the groups gnomAD compares: South Asian, 0.19%; 2 homozygotes.

Submissions (3):

Labcorp Genetics (formerly Invitae), Labcorp
Classification: Uncertain significance. Last evaluated: 2025-11-25. Review status: criteria provided, single submitter. Criteria: Invitae Variant Classification Sherloc (09022015). Collection method: clinical testing. Allele origin: germline.
Comment: This sequence change replaces glutamic acid, which is acidic and polar, with lysine, which is basic and polar, at codon 297 of the ERCC6L2 protein (p.Glu297Lys). This variant is present in population databases (rs780989576, gnomAD 0.1%), including at least one homozygous and/or hemizygous individual. This variant has not been reported in the literature in individuals affected with ERCC6L2-related conditions. ClinVar contains an entry for this variant (Variation ID: 1004631). Experimental studies and prediction algorithms are not available or were not evaluated, and the functional significance of this variant is currently unknown. In summary, the available evidence is currently insufficient to determine the role of this variant in disease. Therefore, it has been classified as a Variant of Uncertain Significance.

Ambry Genetics
Classification: Uncertain significance for Inborn genetic diseases. Last evaluated: 2024-11-28. Review status: criteria provided, single submitter. Criteria: Ambry Variant Classification Scheme 2023. Collection method: clinical testing. Allele origin: germline.
Comment: The p.E286K variant (also known as c.856G>A), located in coding exon 5 of the ERCC6L2 gene, results from a G to A substitution at nucleotide position 856. The glutamic acid at codon 286 is replaced by lysine, an amino acid with similar properties. This amino acid position is conserved. In addition, the in silico prediction for this alteration is inconclusive. Based on the available evidence, the clinical significance of this variant remains unclear.

Blueprint Genetics
Classification: Uncertain significance. Last evaluated: 2023-07-18. Review status: criteria provided, single submitter. Criteria: ACMG Guidelines, 2015. Collection method: clinical testing. Allele origin: germline.

NM_020207.7(ERCC6L2):c.856G>A (p.Glu286Lys)

Gene: ERCC6L2 (ERCC excision repair 6 like 2; plus strand). Cytogenetic location: 9q22.32.
Variant type: single nucleotide variant.
Coding change: c.856G>A on transcript NM_020207.7 (MANE Select); coding-DNA position 856, G replaced by A.
Protein change: p.Glu286Lys; replaces glutamic acid 286 with lysine.
Molecular consequence: missense variant. On other transcripts: non-coding transcript variant (1).
Genome position (GRCh38, 1-based): chr9:95,915,735, G>A. VCF-style: chr9-95915735-G-A. GRCh37 (hg19) VCF-style: chr9-98678017-G-A.
Other names: c.856G>A, p.Glu286Lys (NM_001010895.4, NM_001375291.1, NM_001375292.1 and 2 more transcripts); short protein forms E286K.
Identifiers: ClinVar variation 1004631 (VCV001004631.7), dbSNP rs780989576, ClinGen allele CA5139399.